The following is an entry in ClinVar:

NM_013254.4(TBK1):c.1310A>T (p.Glu437Val)

Gene: TBK1 (TANK binding kinase 1; plus strand). Cytogenetic location: 12q14.2.
Variant type: single nucleotide variant.
Coding change: c.1310A>T on transcript NM_013254.4 (MANE Select); coding-DNA position 1310, A replaced by T.
Protein change: p.Glu437Val; replaces glutamic acid 437 with valine.
Molecular consequence: missense variant.
Genome position (GRCh38, 1-based): chr12:64,485,987, A>T. VCF-style: chr12-64485987-A-T. GRCh37 (hg19) VCF-style: chr12-64879767-A-T.
Other names: short protein forms E437V.
Identifiers: ClinVar variation 4810529 (VCV004810529.1).

ClinVar aggregate classification (germline): Uncertain significance (1 of 4 stars; one submission).

Conditions:
Frontotemporal dementia and/or amyotrophic lateral sclerosis 4. Also called: FTDALS4. Identifiers: Orphanet 275872, MedGen C4225325, MONDO:0014641, OMIM 616439.

gnomAD v4.1: 1 of 1,592,174 alleles (0.000063%); highest among the groups gnomAD compares: African/African-American, 0.0014%; no homozygotes.

Submission:

Labcorp Genetics (formerly Invitae), Labcorp
Classification: Uncertain significance for Frontotemporal dementia and/or amyotrophic lateral sclerosis 4. Last evaluated: 2026-01-18. Review status: criteria provided, single submitter. Criteria: Invitae Variant Classification Sherloc (09022015). Collection method: clinical testing. Allele origin: germline.
Comment: This sequence change replaces glutamic acid, which is acidic and polar, with valine, which is neutral and non-polar, at codon 437 of the TBK1 protein (p.Glu437Val). This variant is not present in population databases (gnomAD no frequency). This variant has not been reported in the literature in individuals affected with TBK1-related conditions. Invitae Evidence Modeling of protein sequence and biophysical properties (such as structural, functional, and spatial information, amino acid conservation, physicochemical variation, residue mobility, and thermodynamic stability) indicates that this missense variant is not expected to disrupt TBK1 protein function with a negative predictive value of 95%. In summary, the available evidence is currently insufficient to determine the role of this variant in disease. Therefore, it has been classified as a Variant of Uncertain Significance.